The following is an entry in ClinVar:

ClinVar aggregate classification (germline): Uncertain significance (1 of 4 stars; one submission).

Conditions:
Left ventricular noncompaction 8 (LVNC8). Identifiers: Orphanet 154, Orphanet 54260, MedGen C3809288, MONDO:0014152, OMIM 615373.

Allele frequency attached by ClinVar (database versions not stated): ExAC 0.00001; gnomAD 0.00002; TOPMed 0.00002; gnomAD exomes 0.00003.
gnomAD v4.1: 50 of 1,589,748 alleles (0.0031%); highest among the groups gnomAD compares: Non-Finnish European, 0.0041%; no homozygotes.

Submission:

Labcorp Genetics (formerly Invitae), Labcorp
Classification: Uncertain significance for Left ventricular noncompaction 8. Last evaluated: 2024-10-30. Review status: criteria provided, single submitter. Criteria: Invitae Variant Classification Sherloc (09022015). Collection method: clinical testing. Allele origin: germline.
Comment: This sequence change replaces aspartic acid, which is acidic and polar, with asparagine, which is neutral and polar, at codon 632 of the PRDM16 protein (p.Asp632Asn). This variant is present in population databases (rs767279028, gnomAD 0.004%). This variant has not been reported in the literature in individuals affected with PRDM16-related conditions. ClinVar contains an entry for this variant (Variation ID: 2741287). An algorithm developed to predict the effect of missense changes on protein structure and function (PolyPhen-2) suggests that this variant is likely to be tolerated. In summary, the available evidence is currently insufficient to determine the role of this variant in disease. Therefore, it has been classified as a Variant of Uncertain Significance.

NM_022114.4(PRDM16):c.1894G>A (p.Asp632Asn)

Gene: PRDM16 (PR/SET domain 16; plus strand). Cytogenetic location: 1p36.32.
Variant type: single nucleotide variant.
Coding change: c.1894G>A on transcript NM_022114.4 (MANE Select); coding-DNA position 1894, G replaced by A.
Protein change: p.Asp632Asn; replaces aspartic acid 632 with asparagine.
Molecular consequence: missense variant.
Genome position (GRCh38, 1-based): chr1:3,412,091, G>A. VCF-style: chr1-3412091-G-A. GRCh37 (hg19) VCF-style: chr1-3328655-G-A.
Other names: c.1894G>A, p.Asp632Asn (NM_199454.3); short protein forms D632N.
Identifiers: ClinVar variation 2741287 (VCV002741287.3), dbSNP rs767279028, ClinGen allele CA544327.